The following is an entry in ClinVar:

NM_003742.4(ABCB11):c.1685G>A (p.Gly562Asp)

Gene: ABCB11 (ATP binding cassette subfamily B member 11; minus strand). Cytogenetic location: 2q31.1.
Variant type: single nucleotide variant.
Coding change: c.1685G>A on transcript NM_003742.4 (MANE Select); coding-DNA position 1685, G replaced by A.
Protein change: p.Gly562Asp; replaces glycine 562 with aspartic acid.
Molecular consequence: missense variant.
Genome position (GRCh38, 1-based): chr2:168,970,169, C>T on the plus strand (G>A on the coding strand, the complement: ABCB11 is on the minus strand). VCF-style: chr2-168970169-C-T. GRCh37 (hg19) VCF-style: chr2-169826679-C-T.
Other names: short protein forms G562D.
Identifiers: ClinVar variation 2674786 (VCV002674786.3), dbSNP rs2545383503, ClinGen allele CA349114101.
Genomic context (GRCh38, chr2:168,970,169, plus strand): 5'-AAAAGCAGAATCTTGGGATTTCGGATGAGGGCTCTGGCGATAGCTACCCTTTGTTTCTGG[C>T]CACCACTCATCTGGCCTCCTCCTTCTCCAACAAGGGTGTCAAATTGCTAGATGGAAGGTG-3'
Protein context (NP_003733.2, residues 552-572): VGEGGGQMSG[Gly562Asp]QKQRVAIARA

ClinVar aggregate classification (germline): Pathogenic/Likely pathogenic. Review status: criteria provided, multiple submitters, no conflicts (2 of 4 stars). 3 submissions from 3 submitters: Pathogenic (1); Likely pathogenic (2). Last evaluated 2026-04-14.

Conditions:
Benign recurrent intrahepatic cholestasis type 2 (BRIC2). Also called: Recurrent familial intrahepatic cholestasis 2. Identifiers: Orphanet 65682, Orphanet 99961, MedGen C2608083, MONDO:0011559, OMIM 605479.
Familial intrahepatic cholestasis. Identifiers: Orphanet 284385, MedGen CN296401, MONDO:0017290.
Progressive familial intrahepatic cholestasis type 2. Identifiers: Orphanet 79304, MedGen C3489789, MONDO:0011156, OMIM 601847.

Submissions (3):

Genomenon, Inc
Classification: Pathogenic for Familial intrahepatic cholestasis. Last evaluated: 2026-04-14. Review status: criteria provided, single submitter. Criteria: Genomenon Sequence Variant Interpretation Standards - Updated. Collection method: curation. Allele origin: germline. Affected: yes.
Comment: ABCB11 p.Gly562Asp (c.1685G>A) is a missense variant that changes the amino acid at residue 562 from Glycine to Aspartic acid. This variant has been observed in at least one proband with an ABCB11-related disorder (PMID:37471416;32808743;18395098). It has been observed in trans with a pathogenic or likely pathogenic variant (PMID:37471416). At least one functional study has demonstrated a substantial alteration in protein function relative to the wild-type (PMID:36142670). It is absent or not present at a significant frequency in gnomAD. In silico models predict that this variant is possibly or probably damaging. In conclusion, we classify ABCB11 p.Gly562Asp (c.1685G>A) as a pathogenic variant.

Natera, Inc.
Classification: Likely pathogenic for Progressive familial intrahepatic cholestasis type 2. Last evaluated: 2025-02-04. Review status: criteria provided, single submitter. Criteria: Natera Variant Classification Schema (03/2026). Collection method: clinical testing. Allele origin: germline.
Comment: The c.1685G>A variant in ABCB11 is a missense variant predicted to cause substitution of glycine to aspartic acid at amino acid 562. This variant is rare in the general population with a frequency below the threshold expected for the associated phenotype(s). This variant has been observed in one or more individuals affected with the associated recessive disease, as either homozygous or compound heterozygous with a second variant (PMID: 37471416, 32087350, 34016879, 18395098, 27050426, 24644547). Functional studies show that this variant may disrupt protein function (PMID: 36142670). Computational prediction algorithms indicate this variant is likely to affect gene or protein function. Given the available evidence, this variant is classified as Likely Pathogenic.

Baylor Genetics
Classification: Likely pathogenic for Benign recurrent intrahepatic cholestasis type 2. Last evaluated: 2022-03-17. Review status: criteria provided, single submitter. Criteria: ACMG Guidelines, 2015. Collection method: clinical testing. Allele origin: unknown.

Literature cited by the submitters: PubMed 37471416 (cited by Genomenon, Inc and Natera, Inc.); PubMed 32808743 (cited by Genomenon, Inc); PubMed 18395098 (cited by Genomenon, Inc and Natera, Inc.); PubMed 36142670 (cited by Genomenon, Inc and Natera, Inc.); PubMed 32087350 (cited by Natera, Inc.); PubMed 34016879 (cited by Natera, Inc.); PubMed 27050426 (cited by Natera, Inc.); PubMed 24644547 (cited by Natera, Inc.).